The following is an entry in ClinVar:

ClinVar aggregate classification (germline): Uncertain significance. Review status: criteria provided, multiple submitters, no conflicts (2 of 4 stars). 2 submissions from 2 submitters: Uncertain significance (2). Last evaluated 2025-06-30.

Conditions:
Cardiovascular phenotype. Identifiers: MedGen CN230736.

Submissions (2):

GeneDx
Classification: Uncertain significance. Last evaluated: 2025-06-30. Review status: criteria provided, single submitter. Criteria: GeneDx Variant Classification Process June 2021. Collection method: clinical testing. Allele origin: germline. Affected: yes.
Comment: Not observed at significant frequency in large population cohorts (gnomAD); Frameshift variant predicted to result in protein truncation or nonsense mediated decay in a gene or region of a gene for which loss of function is not a well-established mechanism of disease; Has not been previously published as pathogenic or benign to our knowledge

Ambry Genetics
Classification: Uncertain significance for Cardiovascular phenotype. Last evaluated: 2025-05-14. Review status: criteria provided, single submitter. Criteria: Ambry Variant Classification Scheme 2023. Collection method: clinical testing. Allele origin: germline.
Comment: The c.1110delC variant, located in coding exon 9 of the LAMA4 gene, results from a deletion of one nucleotide at nucleotide position 1110, causing a translational frameshift with a predicted alternate stop codon (p.I371Lfs*8). This alteration is expected to result in protein truncation or nonsense-mediated mRNA decay. However, loss of function of LAMA4 has not been established as a mechanism of disease. The evidence for this gene-disease relationship is limited; therefore, the clinical significance of this alteration is unclear.

NM_001105206.3(LAMA4):c.1131del (p.Ile378fs)

Gene: LAMA4 (laminin subunit alpha 4; minus strand). Cytogenetic location: 6q21.
Variant type: Deletion.
Coding change: c.1131del on transcript NM_001105206.3 (MANE Select); coding-DNA position 1131, one base deleted (C; older notation c.1131delC).
Protein change: p.Ile378fs; shifts the reading frame from isoleucine 378.
Molecular consequence: frameshift variant.
Genome position (GRCh38, 1-based): chr6:112,178,179, G deleted on the plus strand (C on the coding strand, the reverse complement: LAMA4 is on the minus strand); the first of 2 consecutive G bases (chr6:112,178,179-112,178,180); deleting either gives the same sequence. VCF-style (leftmost placement, unchanged base first): chr6-112178178-TG-T. GRCh37 (hg19) VCF-style: chr6-112499380-TG-T.
Other names: c.1110del (LRG_433t2, NM_002290.3); c.1110del, p.Ile371fs (NM_001105207.3, NM_002290.5); c.1110delC (NM_002290.3); short protein forms I371fs, I378fs.
Identifiers: ClinVar variation 213604 (VCV000213604.3), dbSNP rs863223693, ClinGen allele CA320199.